The following is an entry in ClinVar:

NM_015909.4(NBAS):c.4417C>T (p.His1473Tyr)

Gene: NBAS (NBAS subunit of NRZ tethering complex; minus strand). Cytogenetic location: 2p24.3.
Variant type: single nucleotide variant.
Coding change: c.4417C>T on transcript NM_015909.4 (MANE Select); coding-DNA position 4417, C replaced by T.
Protein change: p.His1473Tyr; replaces histidine 1473 with tyrosine.
Molecular consequence: missense variant. On other transcripts: non-coding transcript variant (1).
Genome position (GRCh38, 1-based): chr2:15,328,243, G>A on the plus strand (C>T on the coding strand, the complement: NBAS is on the minus strand). VCF-style: chr2-15328243-G-A. GRCh37 (hg19) VCF-style: chr2-15468367-G-A.
Other names: short protein forms H1473Y.
Identifiers: ClinVar variation 1488743 (VCV001488743.6), dbSNP rs2148225380, ClinGen allele CA345895797.
Genomic context (GRCh38, chr2:15,328,243, plus strand): 5'-GACACGCTGTCCTTACCTCAGCGACAAAAGGATTTGAGATGACAGATTCATAAAAAGGAT[G>A]ACACCCTTGTTTCTCTAGATCTTCATTGGCTGTAGTTCCGATTTGATATGCACCACCACA-3'
Protein context (NP_056993.2, residues 1463-1483): ANEDLEKQGC[His1473Tyr]PFYESVISNP

ClinVar aggregate classification (germline): Uncertain significance (1 of 4 stars; one submission).

Submission:

Labcorp Genetics (formerly Invitae), Labcorp
Classification: Uncertain significance. Last evaluated: 2024-02-17. Review status: criteria provided, single submitter. Criteria: Invitae Variant Classification Sherloc (09022015). Collection method: clinical testing. Allele origin: germline.
Comment: This sequence change replaces histidine, which is basic and polar, with tyrosine, which is neutral and polar, at codon 1473 of the NBAS protein (p.His1473Tyr). This variant is not present in population databases (gnomAD no frequency). This variant has not been reported in the literature in individuals affected with NBAS-related conditions. ClinVar contains an entry for this variant (Variation ID: 1488743). Advanced modeling of protein sequence and biophysical properties (such as structural, functional, and spatial information, amino acid conservation, physicochemical variation, residue mobility, and thermodynamic stability) performed at Invitae indicates that this missense variant is not expected to disrupt NBAS protein function with a negative predictive value of 95%. In summary, the available evidence is currently insufficient to determine the role of this variant in disease. Therefore, it has been classified as a Variant of Uncertain Significance.